The following is an entry in ClinVar:

ClinVar aggregate classification (germline): Benign. Review status: criteria provided, multiple submitters, no conflicts (2 of 4 stars). 15 submissions from 13 submitters: Benign (13). 2 of the submissions do not count toward it. Last evaluated 2026-02-04.

Conditions:
MYH9-related disorder. Identifiers: MedGen C1854520.
Autosomal dominant nonsyndromic hearing loss 17. Also called: Deafness, autosomal dominant 17; Autosomal dominant nonsyndromic deafness 17. Identifiers: Orphanet 90635, MedGen C1863659, MONDO:0011350, OMIM 603622.
Macrothrombocytopenia and granulocyte inclusions with or without nephritis or sensorineural hearing loss (MATINS). Also called: SEBASTIAN PLATELET SYNDROME; MACROTHROMBOCYTOPENIA WITH DISPERSED LEUKOCYTIC INCLUSIONS; MACROTHROMBOCYTOPENIA, NEPHRITIS, AND DEAFNESS; MACROTHROMBOCYTOPENIA, NEPHRITIS, DEAFNESS, AND LEUKOCYTE INCLUSIONS; ALPORT SYNDROME WITH MACROTHROMBOCYTOPENIA; Fechtner syndrome. Identifiers: Orphanet 182050, MedGen C5200934, MONDO:0015912, OMIM 155100.

Allele frequency attached by ClinVar (database versions not stated): ESP Exome Variant Server 0.15516; gnomAD 0.17309 and 0.18901; TOPMed 0.18934; ExAC 0.25815; 1000 Genomes Project 30x 0.28373; 1000 Genomes Project 0.29373.
gnomAD v4.1: 353,464 of 1,613,466 alleles (22%); highest among the groups gnomAD compares: East Asian, 61%; 46,971 homozygotes.

Submissions (15):

Labcorp Genetics (formerly Invitae), Labcorp
Classification: Benign. Last evaluated: 2026-02-04. Review status: criteria provided, single submitter. Criteria: Invitae Variant Classification Sherloc (09022015). Collection method: clinical testing. Allele origin: germline.

ARUP Laboratories, Molecular Genetics and Genomics, ARUP Laboratories
Classification: Benign. Last evaluated: 2025-07-28. Review status: criteria provided, single submitter. Criteria: ARUP Molecular Germline Variant Investigation Process 2024. Collection method: clinical testing. Allele origin: germline.

Blueprint Genetics
Classification: Benign. Last evaluated: 2024-11-28. Review status: criteria provided, single submitter. Criteria: ACMG Guidelines, 2015. Collection method: clinical testing. Allele origin: germline.

Unidad de Genómica Garrahan, Hospital de Pediatría Garrahan
Classification: Benign. Last evaluated: 2024-07-15. Review status: criteria provided, single submitter. Criteria: ACMG Guidelines, 2015. Collection method: clinical testing. Allele origin: germline. Affected: no. Observed: 35 variant alleles.
Comment: This variant is classified as Benign based on local population frequency. This variant was detected in 38% of patients studied in a panel designed for Epileptic and Developmental Encephalopathy and Progressive Myoclonus Epilepsy. Number of patients: 35. Only high quality variants are reported.

Mayo Clinic Laboratories, Mayo Clinic
Classification: Benign. Last evaluated: 2022-09-29. Review status: criteria provided, single submitter. Criteria: ACMG Guidelines, 2015. Collection method: clinical testing. Allele origin: germline. Observed: 426 variant alleles.

Genome-Nilou Lab
Classification: Benign for Autosomal dominant nonsyndromic hearing loss 17. Last evaluated: 2021-09-05. Review status: criteria provided, single submitter. Criteria: ACMG Guidelines, 2015. Collection method: clinical testing. Allele origin: germline. Affected: no.

Genome-Nilou Lab
Classification: Benign for Macrothrombocytopenia and granulocyte inclusions with or without nephritis or sensorineural hearing loss. Last evaluated: 2021-09-05. Review status: criteria provided, single submitter. Criteria: ACMG Guidelines, 2015. Collection method: clinical testing. Allele origin: germline. Affected: no.

Illumina Laboratory Services, Illumina
Classification: Benign for Autosomal dominant nonsyndromic hearing loss 17. Last evaluated: 2018-01-12. Review status: criteria provided, single submitter. Criteria: ICSL Variant Classification Criteria 13 December 2019. Collection method: clinical testing. Allele origin: germline.
Comment: This variant was observed in the ICSL laboratory as part of a predisposition screen in an ostensibly healthy population. It had not been previously curated by ICSL or reported in the Human Gene Mutation Database (HGMD: prior to June 1st, 2018), and was therefore a candidate for classification through an automated scoring system. Utilizing variant allele frequency, disease prevalence and penetrance estimates, and inheritance mode, an automated score was calculated to assess if this variant is too frequent to cause the disease. Based on the score and internal cut-off values, a variant classified as benign is not then subjected to further curation. The score for this variant resulted in a classification of benign for this disease.

Illumina Laboratory Services, Illumina
Classification: Benign for MYH9-related disorder. Last evaluated: 2018-01-12. Review status: criteria provided, single submitter. Criteria: ICSL Variant Classification Criteria 13 December 2019. Collection method: clinical testing. Allele origin: germline.
Comment: the same text as in the submission from Illumina Laboratory Services, Illumina above.

GeneDx
Classification: Benign. Last evaluated: 2017-05-09. Review status: criteria provided, single submitter. Criteria: GeneDx Variant Classification (06012015). Collection method: clinical testing. Allele origin: germline. Affected: yes.
Comment: This variant is considered likely benign or benign based on one or more of the following criteria: it is a conservative change, it occurs at a poorly conserved position in the protein, it is predicted to be benign by multiple in silico algorithms, and/or has population frequency not consistent with disease.

Laboratory for Molecular Medicine, Mass General Brigham Personalized Medicine
Classification: Benign. Last evaluated: 2012-05-07. Review status: criteria provided, single submitter. Criteria: LMM Criteria. Collection method: clinical testing. Allele origin: germline. Observed: 658 variant alleles.
Comment: "Ala1624Ala in Exon 34 of MYH9: This variant is not expected to have clinical si gnificance because it does not alter an amino acid residue, is not located withi n the splice consensus sequence, and has been identified in 19.8% (1387/7020) of European American chromosomes from a broad population by the NHLBI Exome Sequen cing Project (dbSNP rs2269530)."

Breakthrough Genomics
Classification: Benign. Review status: criteria provided, single submitter. Criteria: ACMG Guidelines, 2015. Collection method: not provided. Allele origin: germline. Inheritance: Autosomal dominant inheritance. Affected: yes.

PreventionGenetics, part of Exact Sciences
Classification: Benign. Review status: criteria provided, single submitter. Criteria: ACMG Guidelines, 2015. Collection method: clinical testing. Allele origin: germline.

Diagnostic Laboratory, Department of Genetics, University Medical Center Groningen
Classification: Benign. Review status: no assertion criteria provided. Collection method: clinical testing. Allele origin: germline. Affected: yes. Study: VKGL Data-share Consensus. Not counted in ClinVar's aggregate classification.

Joint Genome Diagnostic Labs from Nijmegen and Maastricht, Radboudumc and MUMC+
Classification: Benign. Review status: no assertion criteria provided. Collection method: clinical testing. Allele origin: germline. Affected: yes. Study: VKGL Data-share Consensus. Not counted in ClinVar's aggregate classification.

NM_002473.6(MYH9):c.4872G>T (p.Ala1624=)

Gene: MYH9 (myosin heavy chain 9; minus strand). Cytogenetic location: 22q12.3.
Variant type: single nucleotide variant.
Coding change: c.4872G>T on transcript NM_002473.6 (MANE Select); coding-DNA position 4872, G replaced by T.
Protein change: p.Ala1624=; no amino-acid change (alanine 1624 retained).
Molecular consequence: synonymous variant.
Genome position (GRCh38, 1-based): chr22:36,288,312, C>A on the plus strand (G>T on the coding strand, the complement: MYH9 is on the minus strand). VCF-style: chr22-36288312-C-A. GRCh37 (hg19) VCF-style: chr22-36684358-C-A.
Other names: p.Ala1624=; c.4872G>T (NM_002473.5).
Identifiers: ClinVar variation 44565 (VCV000044565.31), dbSNP rs2269530, ClinGen allele CA134543.